The following is an entry in ClinVar:

ClinVar aggregate classification (germline): Likely benign. Review status: criteria provided, multiple submitters, no conflicts (2 of 4 stars). 2 submissions from 2 submitters: Likely benign (2). Last evaluated 2025-05-19.

Conditions:
Tuberous sclerosis 2 (TSC2). Identifiers: Orphanet 805, MedGen C1860707, MONDO:0013199, OMIM 613254.

Allele frequency attached by ClinVar (database versions not stated): gnomAD exomes below 0.00001; TOPMed 0.00001.
gnomAD v4.1: 1 of 1,613,324 alleles (0.000062%); highest among the groups gnomAD compares: Admixed American, 0.0017%; no homozygotes.

Submissions (2):

Myriad Genetics, Inc.
Classification: Likely benign for Tuberous sclerosis 2. Last evaluated: 2025-05-19. Review status: criteria provided, single submitter. Criteria: Myriad Autosomal Dominant, Autosomal Recessive and X-Linked Classification Criteria (2023). Collection method: clinical testing. Allele origin: unknown.
Comment: This variant is considered likely benign. This variant is intronic and is not expected to impact mRNA splicing.

Labcorp Genetics (formerly Invitae), Labcorp
Classification: Likely benign for Tuberous sclerosis 2. Last evaluated: 2024-03-27. Review status: criteria provided, single submitter. Criteria: Invitae Variant Classification Sherloc (09022015). Collection method: clinical testing. Allele origin: germline.

NM_000548.5(TSC2):c.2355+7G>A

Gene: TSC2 (TSC complex subunit 2; plus strand). Cytogenetic location: 16p13.3.
Variant type: single nucleotide variant.
Coding change: c.2355+7G>A on transcript NM_000548.5 (MANE Select); 7 bases into the intron after coding-DNA position 2355, G replaced by A.
Molecular consequence: intron variant.
Genome position (GRCh38, 1-based): chr16:2,072,990, G>A. VCF-style: chr16-2072990-G-A. GRCh37 (hg19) VCF-style: chr16-2122991-G-A.
Other names: c.2355+7G>A (NM_001114382.3, NM_021055.3, NM_001370405.1 and 3 more transcripts); c.2244+7G>A (NM_001318827.2); c.1755+7G>A (NM_001318831.2); c.2208+7G>A (NM_001318829.2); c.2388+7G>A (NM_001318832.2).
Identifiers: ClinVar variation 536100 (VCV000536100.9), dbSNP rs999583473, ClinGen allele CA276740092.